The following is an entry in ClinVar:

ClinVar aggregate classification (germline): Uncertain significance (1 of 4 stars; one submission).

Submission:

Labcorp Genetics (formerly Invitae), Labcorp
Classification: Uncertain significance. Last evaluated: 2022-09-07. Review status: criteria provided, single submitter. Criteria: Invitae Variant Classification Sherloc (09022015). Collection method: clinical testing. Allele origin: germline.
Comment: In summary, the available evidence is currently insufficient to determine the role of this variant in disease. Therefore, it has been classified as a Variant of Uncertain Significance. Algorithms developed to predict the effect of missense changes on protein structure and function are either unavailable or do not agree on the potential impact of this missense change (SIFT: "Deleterious"; PolyPhen-2: "Not Available"; Align-GVGD: "Class C0"). This variant has not been reported in the literature in individuals affected with ARID1B-related conditions. The frequency data for this variant in the population databases is considered unreliable, as metrics indicate insufficient coverage at this position in the gnomAD database. This sequence change replaces tyrosine, which is neutral and polar, with histidine, which is basic and polar, at codon 365 of the ARID1B protein (p.Tyr365His).

NM_001374828.1(ARID1B):c.1342T>C (p.Tyr448His)

Gene: ARID1B (AT-rich interaction domain 1B; plus strand). Cytogenetic location: 6q25.3.
Variant type: single nucleotide variant.
Coding change: c.1342T>C on transcript NM_001374828.1 (MANE Select); coding-DNA position 1342, T replaced by C.
Protein change: p.Tyr448His; replaces tyrosine 448 with histidine.
Molecular consequence: missense variant.
Genome position (GRCh38, 1-based): chr6:156,779,022, T>C. VCF-style: chr6-156779022-T-C. GRCh37 (hg19) VCF-style: chr6-157100156-T-C.
Other names: c.1093T>C, p.Tyr365His (NM_001346813.1, NM_020732.3); c.1342T>C, p.Tyr448His (NM_001371656.1, NM_001374820.1, NM_017519.3); c.919T>C, p.Tyr307His (NM_175863.2); short protein forms Y307H, Y365H, Y448H.
Identifiers: ClinVar variation 1718656 (VCV001718656.5), dbSNP rs2114993717, ClinGen allele CA366384048.